The following is an entry in ClinVar:

ClinVar aggregate classification (germline): Uncertain significance (1 of 4 stars; one submission).

Conditions:
Combined immunodeficiency with skin granulomas. Identifiers: Orphanet 157949, MedGen C2673536, MONDO:0009306, OMIM 233650.
Severe combined immunodeficiency, autosomal recessive, T cell-negative, B cell-negative, NK cell-positive. Also called: SCID, AR, T-cell negative, B-cell negative, NK cell-positive; SCID, T CELL-NEGATIVE, B CELL-NEGATIVE, NK CELL-POSITIVE; Severe combined immunodeficiency due to complete RAG1/2 deficiency. Identifiers: Orphanet 331206, MedGen C1832322, MONDO:0011086, OMIM 601457.

Allele frequency attached by ClinVar (database versions not stated): TOPMed below 0.00001; gnomAD exomes 0.00001; ExAC 0.00002; ESP Exome Variant Server 0.00008.
gnomAD v4.1: 9 of 1,614,182 alleles (0.00056%); highest among the groups gnomAD compares: Non-Finnish European, 0.00068%; no homozygotes.

Submission:

Labcorp Genetics (formerly Invitae), Labcorp
Classification: Uncertain significance for Combined immunodeficiency with skin granulomas; Severe combined immunodeficiency, autosomal recessive, T cell-negative, B cell-negative, NK cell-positive. Last evaluated: 2022-01-26. Review status: criteria provided, single submitter. Criteria: Invitae Variant Classification Sherloc (09022015). Collection method: clinical testing. Allele origin: germline.
Comment: This sequence change replaces valine, which is neutral and non-polar, with alanine, which is neutral and non-polar, at codon 154 of the RAG2 protein (p.Val154Ala). This variant is present in population databases (rs17852002, gnomAD 0.004%). This variant has not been reported in the literature in individuals affected with RAG2-related conditions. Advanced modeling of protein sequence and biophysical properties (such as structural, functional, and spatial information, amino acid conservation, physicochemical variation, residue mobility, and thermodynamic stability) performed at Invitae indicates that this missense variant is expected to disrupt RAG2 protein function. In summary, the available evidence is currently insufficient to determine the role of this variant in disease. Therefore, it has been classified as a Variant of Uncertain Significance.

NM_000536.4(RAG2):c.461T>C (p.Val154Ala)

Gene: RAG2 (recombination activating 2; minus strand). Cytogenetic location: 11p12.
Variant type: single nucleotide variant.
Coding change: c.461T>C on transcript NM_000536.4 (MANE Select); coding-DNA position 461, T replaced by C.
Protein change: p.Val154Ala; replaces valine 154 with alanine.
Molecular consequence: missense variant.
Genome position (GRCh38, 1-based): chr11:36,593,708, A>G on the plus strand (T>C on the coding strand, the complement: RAG2 is on the minus strand). VCF-style: chr11-36593708-A-G. GRCh37 (hg19) VCF-style: chr11-36615258-A-G.
Other names: c.461T>C, p.Val154Ala (NM_001243785.2, NM_001243786.2); short protein forms V154A.
Identifiers: ClinVar variation 2085699 (VCV002085699.1), dbSNP rs17852002, ClinGen allele CA5950572.